The following is an entry in ClinVar:

ClinVar aggregate classification (germline): Uncertain significance. Review status: criteria provided, multiple submitters, no conflicts (2 of 4 stars). 2 submissions from 2 submitters: Uncertain significance (2). Last evaluated 2024-12-09.

Conditions:
Mevalonic aciduria (MEVA). Identifiers: Orphanet 29, MedGen C1959626, MONDO:0012481, OMIM 610377.
Hyperimmunoglobulin D with periodic fever (HIDS). Also called: Hyperimmunoglobulinemia D; Hyperimmunoglobulinemia D with periodic fever; HYPERIMMUNOGLOBULINEMIA D AND PERIODIC FEVER SYNDROME. Identifiers: Orphanet 343, MedGen C0398691, MONDO:0009849, OMIM 260920.
Porokeratosis 3, disseminated superficial actinic type (POROK3). Also called: POROKERATOSIS, DISSEMINATED SUPERFICIAL ACTINIC, 1; POROKERATOSIS 3, MULTIPLE TYPES; POROKERATOSIS 3, MIBELLI TYPE. Identifiers: MedGen C1867981, MONDO:0008293, OMIM 175900.

Allele frequency attached by ClinVar (database versions not stated): gnomAD exomes below 0.00001; ExAC 0.00001; gnomAD 0.00001.
gnomAD v4.1: 6 of 1,614,058 alleles (0.00037%); highest among the groups gnomAD compares: African/African-American, 0.008%; no homozygotes.

Submissions (2):

Labcorp Genetics (formerly Invitae), Labcorp
Classification: Uncertain significance for Mevalonic aciduria; Hyperimmunoglobulin D with periodic fever; Porokeratosis 3, disseminated superficial actinic type. Last evaluated: 2024-12-09. Review status: criteria provided, single submitter. Criteria: Invitae Variant Classification Sherloc (09022015). Collection method: clinical testing. Allele origin: germline.
Comment: This sequence change replaces arginine, which is basic and polar, with lysine, which is basic and polar, at codon 66 of the MVK protein (p.Arg66Lys). This variant is present in population databases (rs757565098, gnomAD 0.007%). This variant has not been reported in the literature in individuals affected with MVK-related conditions. ClinVar contains an entry for this variant (Variation ID: 1430226). An algorithm developed to predict the effect of missense changes on protein structure and function outputs the following: PolyPhen-2: "Benign". The lysine amino acid residue is found in multiple mammalian species, which suggests that this missense change does not adversely affect protein function. In summary, the available evidence is currently insufficient to determine the role of this variant in disease. Therefore, it has been classified as a Variant of Uncertain Significance.

GeneDx
Classification: Uncertain significance. Last evaluated: 2022-09-22. Review status: criteria provided, single submitter. Criteria: GeneDx Variant Classification Process June 2021. Collection method: clinical testing. Allele origin: germline. Affected: yes.
Comment: In silico analysis supports that this missense variant does not alter protein structure/function; Has not been previously published as pathogenic or benign to our knowledge

NM_000431.4(MVK):c.197G>A (p.Arg66Lys)

Gene: MVK (mevalonate kinase; plus strand). Cytogenetic location: 12q24.11.
Variant type: single nucleotide variant.
Coding change: c.197G>A on transcript NM_000431.4 (MANE Select); coding-DNA position 197, G replaced by A.
Protein change: p.Arg66Lys; replaces arginine 66 with lysine.
Molecular consequence: missense variant.
Genome position (GRCh38, 1-based): chr12:109,576,116, G>A. VCF-style: chr12-109576116-G-A. GRCh37 (hg19) VCF-style: chr12-110013921-G-A.
Other names: c.197G>A, p.Arg66Lys (NM_001114185.3, NM_001301182.2); c.197G>A (NM_000431.2); short protein forms R66K.
Identifiers: ClinVar variation 1430226 (VCV001430226.7), dbSNP rs757565098, ClinGen allele CA6779163.
Genomic context (GRCh38, chr12:109,576,116, plus strand): 5'-ATGGGAAAGTGGACCTCAGCTTACCCAACATTGGTATCAAGCGGGCCTGGGATGTGGCCA[G>A]GCTTCAGTCACTGGACACAAGCTTTCTGGGTGAGTGCAAGGAGGAGAAACCAGGTGTGCT-3'
Protein context (NP_000422.1, residues 56-76): IGIKRAWDVA[Arg66Lys]LQSLDTSFLE